The following is an entry in ClinVar:

NM_001369268.1(ACAN):c.2114T>G (p.Val705Gly)

Gene: ACAN (aggrecan; plus strand). Cytogenetic location: 15q26.1.
Variant type: single nucleotide variant.
Coding change: c.2114T>G on transcript NM_001369268.1 (MANE Select); coding-DNA position 2114, T replaced by G.
Protein change: p.Val705Gly; replaces valine 705 with glycine.
Molecular consequence: missense variant.
Genome position (GRCh38, 1-based): chr15:88,851,881, T>G. VCF-style: chr15-88851881-T-G. GRCh37 (hg19) VCF-style: chr15-89395112-T-G.
Other names: c.2114T>G, p.Val705Gly (NM_001135.4, NM_001411096.1, NM_001411097.1 and 1 more transcripts); short protein forms V705G.
Identifiers: ClinVar variation 2817797 (VCV002817797.3), dbSNP rs2505295170, ClinGen allele CA393713947.

ClinVar aggregate classification (germline): Uncertain significance (1 of 4 stars; one submission).

Submission:

Labcorp Genetics (formerly Invitae), Labcorp
Classification: Uncertain significance. Last evaluated: 2022-12-01. Review status: criteria provided, single submitter. Criteria: Invitae Variant Classification Sherloc (09022015). Collection method: clinical testing. Allele origin: germline.
Comment: In summary, the available evidence is currently insufficient to determine the role of this variant in disease. Therefore, it has been classified as a Variant of Uncertain Significance. Advanced modeling of protein sequence and biophysical properties (such as structural, functional, and spatial information, amino acid conservation, physicochemical variation, residue mobility, and thermodynamic stability) performed at Invitae indicates that this missense variant is not expected to disrupt ACAN protein function. This variant has not been reported in the literature in individuals affected with ACAN-related conditions. This variant is not present in population databases (gnomAD no frequency). This sequence change replaces valine, which is neutral and non-polar, with glycine, which is neutral and non-polar, at codon 705 of the ACAN protein (p.Val705Gly).